The following is an entry in ClinVar:

ClinVar aggregate classification (germline): Conflicting classifications of pathogenicity. Review status: criteria provided, conflicting classifications (1 of 4 stars). 5 submissions from 5 submitters: Uncertain significance (3); Benign (1); Likely benign (1). Last evaluated 2026-01-27.

Conditions:
Hereditary cancer-predisposing syndrome. Also called: Tumor predisposition; Neoplastic Syndromes, Hereditary; Hereditary Cancer Syndrome; Hereditary neoplastic syndrome. Identifiers: Orphanet 140162, MedGen C0027672, MeSH D009386, MONDO:0015356.
Tuberous sclerosis syndrome (TSC). Also called: Tuberous Sclerosis Complex; Tuberous sclerosis. Identifiers: Orphanet 805, MedGen C0041341, MONDO:0001734.
Tuberous sclerosis 2 (TSC2). Identifiers: Orphanet 805, MedGen C1860707, MONDO:0013199, OMIM 613254.

gnomAD v4.1: 2 of 1,611,328 alleles (0.00012%); highest among the groups gnomAD compares: Non-Finnish European, 0.00017%; no homozygotes.

Submissions (5):

Labcorp Genetics (formerly Invitae), Labcorp
Classification: Benign for Tuberous sclerosis 2. Last evaluated: 2026-01-27. Review status: criteria provided, single submitter. Criteria: Invitae Variant Classification Sherloc (09022015). Collection method: clinical testing. Allele origin: germline.

Color Diagnostics, LLC DBA Color Health
Classification: Uncertain significance for Tuberous sclerosis syndrome. Last evaluated: 2025-06-24. Review status: criteria provided, single submitter. Criteria: ACMG Guidelines, 2015. Collection method: clinical testing. Allele origin: germline.
Comment: This missense variant replaces proline with alanine at codon 1401 of the TSC2 protein. Computational prediction is inconclusive regarding the impact of this variant on protein structure and function. To our knowledge, functional studies have not been reported for this variant. This variant has not been reported in individuals affected with TSC2-related disorders in the literature. This variant has been identified in 1/244888 chromosomes in the general population by the Genome Aggregation Database (gnomAD). The available evidence is insufficient to determine the role of this variant in disease conclusively. Therefore, this variant is classified as a Variant of Uncertain Significance.

All of Us Research Program, National Institutes of Health
Classification: Uncertain significance for Tuberous sclerosis syndrome. Last evaluated: 2024-03-05. Review status: criteria provided, single submitter. Criteria: ACMG Guidelines, 2015. Collection method: clinical testing. Allele origin: germline. Inheritance: Autosomal dominant inheritance. Observed: 5 variant alleles, 5 heterozygotes.
Comment: This missense variant replaces proline with alanine at codon 1401 of the TSC2 protein. Computational prediction is inconclusive regarding the impact of this variant on protein structure and function (internally defined REVEL score threshold 0.5 < inconclusive < 0.7, PMID: 27666373). To our knowledge, functional studies have not been reported for this variant. This variant has not been reported in individuals affected with TSC2-related disorders in the literature. This variant has been identified in 1/244888 chromosomes in the general population by the Genome Aggregation Database (gnomAD). The available evidence is insufficient to determine the role of this variant in disease conclusively. Therefore, this variant is classified as a Variant of Uncertain Significance.

This study involves interpretation of variants in research participants for the purpose of population health screening. Participant phenotype was not available at the time of variant classification. Additional details can be found in publication PMID: 35346344, PMCID: PMC8962531

Ambry Genetics
Classification: Likely benign for Hereditary cancer-predisposing syndrome. Last evaluated: 2024-01-30. Review status: criteria provided, single submitter. Criteria: Ambry Variant Classification Scheme 2023. Collection method: clinical testing. Allele origin: germline.

GeneDx
Classification: Uncertain significance. Last evaluated: 2023-02-22. Review status: criteria provided, single submitter. Criteria: GeneDx Variant Classification Process June 2021. Collection method: clinical testing. Allele origin: germline. Affected: yes.
Comment: In silico analysis supports that this missense variant does not alter protein structure/function; Has not been previously published as pathogenic or benign to our knowledge

NM_000548.5(TSC2):c.4201C>G (p.Pro1401Ala)

Gene: TSC2 (TSC complex subunit 2; plus strand). Cytogenetic location: 16p13.3.
Variant type: single nucleotide variant.
Coding change: c.4201C>G on transcript NM_000548.5 (MANE Select); coding-DNA position 4201, C replaced by G.
Protein change: p.Pro1401Ala; replaces proline 1401 with alanine.
Molecular consequence: missense variant.
Genome position (GRCh38, 1-based): chr16:2,084,423, C>G. VCF-style: chr16-2084423-C-G. GRCh37 (hg19) VCF-style: chr16-2134424-C-G.
Other names: c.4000C>G, p.Pro1334Ala (NM_001077183.3); c.4132C>G, p.Pro1378Ala (NM_001114382.3); c.3892C>G, p.Pro1298Ala (NM_001318827.2); c.3856C>G, p.Pro1286Ala (NM_001318829.2); c.3469C>G, p.Pro1157Ala (NM_001318831.2); c.4033C>G, p.Pro1345Ala (NM_001318832.2); c.4003C>G, p.Pro1335Ala (NM_001363528.2); c.4069C>G, p.Pro1357Ala (NM_001370404.1); and 1 more; short protein forms P1401A, P1286A, P1334A, P1357A, P1358A, P1378A, P1157A, P1298A.
Identifiers: ClinVar variation 406078 (VCV000406078.17), dbSNP rs778147657, ClinGen allele CA050641.